The following is an entry in ClinVar:

NM_020366.4(RPGRIP1):c.2510C>G (p.Ala837Gly)

Gene: RPGRIP1 (RPGR interacting protein 1; plus strand). Cytogenetic location: 14q11.2.
Variant type: single nucleotide variant.
Coding change: c.2510C>G on transcript NM_020366.4 (MANE Select); coding-DNA position 2510, C replaced by G.
Protein change: p.Ala837Gly; replaces alanine 837 with glycine.
Molecular consequence: missense variant. On other transcripts: intron variant (4).
Genome position (GRCh38, 1-based): chr14:21,325,973, C>G. VCF-style: chr14-21325973-C-G. GRCh37 (hg19) VCF-style: chr14-21794132-C-G.
Other names: c.1436C>G, p.Ala479Gly (NM_001377948.1); c.796+1248C>G (NM_001377949.1); c.689-1650C>G (NM_001377523.1, NM_001377950.1); c.191-1650C>G (NM_001377951.1); short protein forms A479G, A837G.
Identifiers: ClinVar variation 881935 (VCV000881935.15), dbSNP rs373515194, ClinGen allele CA7089282.

ClinVar aggregate classification (germline): Uncertain significance. Review status: criteria provided, multiple submitters, no conflicts (2 of 4 stars). 8 submissions from 6 submitters: Uncertain significance (8). Last evaluated 2024-11-22.

Conditions:
Cone-rod dystrophy 13 (CORD13). Identifiers: Orphanet 1872, MedGen C2750720, MONDO:0011987, OMIM 608194.
Leber congenital amaurosis 6 (LCA6). Identifiers: Orphanet 65, MedGen C1854260, MONDO:0013446, OMIM 613826.
Retinal dystrophy. Also called: Inherited retinal dystrophy. Identifiers: Orphanet 71862, MedGen C0854723, MeSH D058499, MONDO:0019118, HP:0000556.

Allele frequency attached by ClinVar (database versions not stated): gnomAD exomes 0.00005; ExAC 0.00006; gnomAD 0.00007 and 0.00008; TOPMed 0.00011; ESP Exome Variant Server 0.00024.
gnomAD v4.1: 68 of 1,613,860 alleles (0.0042%); highest among the groups gnomAD compares: Non-Finnish European, 0.0057%; no homozygotes.

Submissions (8):

Blueprint Genetics
Classification: Uncertain significance. Last evaluated: 2024-11-22. Review status: criteria provided, single submitter. Criteria: ACMG Guidelines, 2015. Collection method: clinical testing. Allele origin: germline.

Women's Health and Genetics/Laboratory Corporation of America, LabCorp
Classification: Uncertain significance. Last evaluated: 2024-06-14. Review status: criteria provided, single submitter. Criteria: LabCorp Variant Classification Summary - May 2015. Collection method: clinical testing. Allele origin: germline.
Comment: Variant summary: RPGRIP1 c.2510C>G (p.Ala837Gly) results in a non-conservative amino acid change located in the 2nd C2 domain (IPR000008) of the encoded protein sequence. Three of five in-silico tools predict a benign effect of the variant on protein function. The variant allele was found at a frequency of 4.8e-05 in 249248 control chromosomes. This frequency is not significantly higher than estimated for a pathogenic variant in RPGRIP1 causing Leber Congenital Amaurosis (4.8e-05 vs 0.0011), allowing no conclusion about variant significance. c.2510C>G has been reported in the literature in heterozygous individuals affected with glaucoma (Fernandez-Martnez_2011) and retinitis pigmentosa, however in the latter case a co-occurring (likely) pathogenic variant in a different gene could explain the phenotype (Eisenberger_2013). These reports do not provide unequivocal conclusions about association of the variant with Leber Congenital Amaurosis. One of these publications also reported experimental evidence evaluating an impact on protein function, and demonstrated a somewhat decreased protein-interaction with nephrocystin-4 (NPHP4) in a yeast two-hybrid assay (Fernandez-Martnez_2011). The following publications have been ascertained in the context of this evaluation (PMID: 24265693, 21224891). ClinVar contains an entry for this variant (Variation ID: 881935). Based on the evidence outlined above, the variant was classified as uncertain significance.

Institute of Human Genetics, Univ. Regensburg, Univ. Regensburg
Classification: Uncertain significance for Retinal dystrophy. Last evaluated: 2023-01-01. Review status: criteria provided, single submitter. Criteria: ACMG Guidelines, 2015. Collection method: clinical testing. Allele origin: germline. Affected: yes.

Labcorp Genetics (formerly Invitae), Labcorp
Classification: Uncertain significance for Leber congenital amaurosis 6; Cone-rod dystrophy 13. Last evaluated: 2022-09-01. Review status: criteria provided, single submitter. Criteria: Invitae Variant Classification Sherloc (09022015). Collection method: clinical testing. Allele origin: germline.
Comment: This sequence change replaces alanine, which is neutral and non-polar, with glycine, which is neutral and non-polar, at codon 837 of the RPGRIP1 protein (p.Ala837Gly). This variant is present in population databases (rs373515194, gnomAD 0.009%). This missense change has been observed in individual(s) with glaucoma (PMID: 21224891). ClinVar contains an entry for this variant (Variation ID: 881935). Algorithms developed to predict the effect of missense changes on protein structure and function (SIFT, PolyPhen-2, Align-GVGD) all suggest that this variant is likely to be tolerated. Experimental studies have shown that this missense change affects RPGRIP1 function (PMID: 21224891). In summary, the available evidence is currently insufficient to determine the role of this variant in disease. Therefore, it has been classified as a Variant of Uncertain Significance.

Genome-Nilou Lab
Classification: Uncertain significance for Leber congenital amaurosis 6. Last evaluated: 2021-11-07. Review status: criteria provided, single submitter. Criteria: ACMG Guidelines, 2015. Collection method: clinical testing. Allele origin: germline. Affected: no.

Genome-Nilou Lab
Classification: Uncertain significance for Cone-rod dystrophy 13. Last evaluated: 2021-11-07. Review status: criteria provided, single submitter. Criteria: ACMG Guidelines, 2015. Collection method: clinical testing. Allele origin: germline. Affected: no.

Illumina Laboratory Services, Illumina
Classification: Uncertain significance for Leber congenital amaurosis 6. Last evaluated: 2017-04-28. Review status: criteria provided, single submitter. Criteria: ICSL Variant Classification Criteria 13 December 2019. Collection method: clinical testing. Allele origin: germline.
Comment: This variant was observed as part of a predisposition screen in an ostensibly healthy population. A literature search was performed for the gene, cDNA change, and amino acid change (where applicable). Publications were found based on this search. However, the evidence from the literature, in combination with allele frequency data from public databases where available, was not sufficient to rule this variant in or out of causing disease. Therefore, this variant is classified as a variant of unknown significance.

Illumina Laboratory Services, Illumina
Classification: Uncertain significance for Cone-rod dystrophy 13. Last evaluated: 2017-04-28. Review status: criteria provided, single submitter. Criteria: ICSL Variant Classification Criteria 13 December 2019. Collection method: clinical testing. Allele origin: germline.
Comment: the same text as in the submission from Illumina Laboratory Services, Illumina above.

Literature cited by the submitters: PubMed 24265693 (cited by Women's Health and Genetics/Laboratory Corporation of America, LabCorp and Illumina Laboratory Services, Illumina); PubMed 21224891 (cited by 4 submitters); PubMed 2426569 (cited by Institute of Human Genetics, Univ. Regensburg, Univ. Regensburg).